The following is an entry in ClinVar:

ClinVar aggregate classification (germline): Benign/Likely benign. Review status: criteria provided, multiple submitters, no conflicts (2 of 4 stars). 3 submissions from 3 submitters: Benign (1); Likely benign (2). Last evaluated 2026-01-04.

Conditions:
Episodic ataxia type 2 (EA2). Also called: ATAXIA, EPISODIC, WITH NYSTAGMUS; ATAXIA, FAMILIAL PAROXYSMAL; CEREBELLAR ATAXIA, PAROXYSMAL, ACETAZOLAMIDE-RESPONSIVE; CEREBELLOPATHY, HEREDITARY PAROXYSMAL; ACETAZOLAMIDE-RESPONSIVE HEREDITARY PAROXYSMAL CEREBELLAR ATAXIA; EPISODIC ATAXIA, NYSTAGMUS-ASSOCIATED. Identifiers: Orphanet 97, MedGen C1720416, MONDO:0007163, OMIM 108500.
Developmental and epileptic encephalopathy, 42 (DEE42A). Also called: DEVELOPMENTAL AND EPILEPTIC ENCEPHALOPATHY 42A; EPILEPTIC ENCEPHALOPATHY, EARLY INFANTILE, 42A; Epileptic encephalopathy, early infantile, 42. Identifiers: MedGen C4310716, MONDO:0014917, OMIM 617106.

Allele frequency attached by ClinVar (database versions not stated): gnomAD 0.00019; TOPMed 0.00019; ExAC 0.00022; 1000 Genomes Project 30x 0.00031.
gnomAD v4.1: 66 of 1,560,866 alleles (0.0042%); highest among the groups gnomAD compares: African/African-American, 0.082%; no homozygotes.

Submissions (3):

Labcorp Genetics (formerly Invitae), Labcorp
Classification: Likely benign for Developmental and epileptic encephalopathy, 42; Episodic ataxia type 2. Last evaluated: 2026-01-04. Review status: criteria provided, single submitter. Criteria: Invitae Variant Classification Sherloc (09022015). Collection method: clinical testing. Allele origin: germline.

Athena Diagnostics
Classification: Benign. Last evaluated: 2019-06-11. Review status: criteria provided, single submitter. Criteria: Athena Diagnostics Criteria. Collection method: clinical testing. Allele origin: germline.

GeneDx
Classification: Likely benign. Last evaluated: 2018-03-06. Review status: criteria provided, single submitter. Criteria: GeneDx Variant Classification (06012015). Collection method: clinical testing. Allele origin: germline. Affected: yes.
Comment: This variant is considered likely benign or benign based on one or more of the following criteria: it is a conservative change, it occurs at a poorly conserved position in the protein, it is predicted to be benign by multiple in silico algorithms, and/or has population frequency not consistent with disease.

NM_001127222.2(CACNA1A):c.6339+10G>C

Gene: CACNA1A (calcium voltage-gated channel subunit alpha1 A; minus strand). Cytogenetic location: 19p13.13.
Variant type: single nucleotide variant.
Coding change: c.6339+10G>C on transcript NM_001127222.2 (MANE Select); 10 bases into the intron after coding-DNA position 6339, G replaced by C.
Molecular consequence: intron variant.
Genome position (GRCh38, 1-based): chr19:13,210,607, C>G on the plus strand (G>C on the coding strand, the complement: CACNA1A is on the minus strand). VCF-style: chr19-13210607-C-G. GRCh37 (hg19) VCF-style: chr19-13321421-C-G.
Other names: c.6342+10G>C (NM_001127221.2); c.6348+10G>C (NM_001174080.2); c.6357+10G>C (NM_000068.4, NM_023035.3).
Identifiers: ClinVar variation 392631 (VCV000392631.13), dbSNP rs376238265, ClinGen allele CA9239384.